The following is an entry in ClinVar:

ClinVar aggregate classification (germline): Uncertain significance (1 of 4 stars; one submission).

Conditions:
Aortic aneurysm, familial thoracic 7 (AAT7). Also called: AORTIC DISSECTION, FAMILIAL, WITH OR WITHOUT AORTIC ANEURYSM. Identifiers: MedGen C3151077, MONDO:0013418, OMIM 613780.

Allele frequency attached by ClinVar (database versions not stated): TOPMed below 0.00001; gnomAD 0.00001.
gnomAD v4.1: 21 of 1,613,146 alleles (0.0013%); highest among the groups gnomAD compares: Admixed American, 0.0017%; no homozygotes.

Submission:

Labcorp Genetics (formerly Invitae), Labcorp
Classification: Uncertain significance for Aortic aneurysm, familial thoracic 7. Last evaluated: 2025-10-13. Review status: criteria provided, single submitter. Criteria: Invitae Variant Classification Sherloc (09022015). Collection method: clinical testing. Allele origin: germline.
Comment: This sequence change replaces arginine, which is basic and polar, with histidine, which is basic and polar, at codon 982 of the MYLK protein (p.Arg982His). The frequency data for this variant in the population databases is considered unreliable, as metrics indicate poor data quality at this position in the gnomAD database. This variant has not been reported in the literature in individuals affected with MYLK-related conditions. ClinVar contains an entry for this variant (Variation ID: 2782734). Invitae Evidence Modeling of protein sequence and biophysical properties (such as structural, functional, and spatial information, amino acid conservation, physicochemical variation, residue mobility, and thermodynamic stability) indicates that this missense variant is not expected to disrupt MYLK protein function with a negative predictive value of 80%. In summary, the available evidence is currently insufficient to determine the role of this variant in disease. Therefore, it has been classified as a Variant of Uncertain Significance.

NM_053025.4(MYLK):c.2945G>A (p.Arg982His)

Gene: MYLK (myosin light chain kinase; minus strand). Cytogenetic location: 3q21.1.
Variant type: single nucleotide variant.
Coding change: c.2945G>A on transcript NM_053025.4 (MANE Select); coding-DNA position 2945, G replaced by A.
Protein change: p.Arg982His; replaces arginine 982 with histidine.
Molecular consequence: missense variant.
Genome position (GRCh38, 1-based): chr3:123,700,523, C>T on the plus strand (G>A on the coding strand, the complement: MYLK is on the minus strand). VCF-style: chr3-123700523-C-T. GRCh37 (hg19) VCF-style: chr3-123419370-C-T.
Other names: c.2417G>A, p.Arg806His (NM_001321309.2); c.2738G>A, p.Arg913His (NM_053026.4, NM_053028.4); c.2945G>A, p.Arg982His (NM_053027.4); short protein forms R982H, R806H, R913H.
Identifiers: ClinVar variation 2782734 (VCV002782734.3), dbSNP rs1464293384, ClinGen allele CA354230609.